The following is an entry in ClinVar:

NM_001171613.2(PREPL):c.968T>G (p.Ile323Arg)

Gene: PREPL (prolyl endopeptidase like; minus strand). Cytogenetic location: 2p21.
Variant type: single nucleotide variant.
Coding change: c.968T>G on transcript NM_001171613.2 (MANE Select); coding-DNA position 968, T replaced by G.
Protein change: p.Ile323Arg; replaces isoleucine 323 with arginine.
Molecular consequence: missense variant. On other transcripts: intron variant (1).
Genome position (GRCh38, 1-based): chr2:44,332,577, A>C on the plus strand (T>G on the coding strand, the complement: PREPL is on the minus strand). VCF-style: chr2-44332577-A-C. GRCh37 (hg19) VCF-style: chr2-44559716-A-C.
Other names: c.1235T>G, p.Ile412Arg (NM_006036.4, NM_001171603.1, NM_001171606.2 and 2 more transcripts); c.1049T>G, p.Ile350Arg (NM_001042385.2); c.968T>G, p.Ile323Arg (NM_001171617.1, NM_001374277.1); c.1156-3465T>G (NM_001042386.2); short protein forms I412R, I323R, I350R.
Identifiers: ClinVar variation 520751 (VCV000520751.12), dbSNP rs926904705, ClinGen allele CA46541315.

ClinVar aggregate classification (germline): Uncertain significance. Review status: criteria provided, multiple submitters, no conflicts (2 of 4 stars). 3 submissions from 3 submitters: Uncertain significance (3). Last evaluated 2023-09-07.

Conditions:
Inborn genetic diseases. Identifiers: MedGen C0950123, MeSH D030342.
Myasthenic syndrome, congenital, 22 (CMS22). Also called: PREPL DEFICIENCY. Identifiers: MedGen C4479088, MONDO:0044299, OMIM 616224.
PREPL-related disorder. Also called: PREPL-related condition.

Allele frequency attached by ClinVar (database versions not stated): gnomAD exomes 0.00001; gnomAD 0.00003 and 0.00004; TOPMed 0.00003.
gnomAD v4.1: 28 of 1,613,786 alleles (0.0017%); highest among the groups gnomAD compares: African/African-American, 0.0027%; no homozygotes.

Submissions (3):

PreventionGenetics, part of Exact Sciences
Classification: Uncertain significance for PREPL-related condition. Last evaluated: 2023-09-07. Review status: criteria provided, single submitter. Criteria: ACMG Guidelines, 2015. Collection method: clinical testing. Allele origin: germline.
Comment: The PREPL c.1235T>G variant is predicted to result in the amino acid substitution p.Ile412Arg. To our knowledge, this variant has not been reported in the literature. This variant is reported in 0.0040% of alleles in individuals of African descent in gnomAD. At this time, the clinical significance of this variant is uncertain due to the absence of conclusive functional and genetic evidence.

Labcorp Genetics (formerly Invitae), Labcorp
Classification: Uncertain significance for Myasthenic syndrome, congenital, 22. Last evaluated: 2023-06-17. Review status: criteria provided, single submitter. Criteria: Invitae Variant Classification Sherloc (09022015). Collection method: clinical testing. Allele origin: germline.
Comment: In summary, the available evidence is currently insufficient to determine the role of this variant in disease. Therefore, it has been classified as a Variant of Uncertain Significance. Advanced modeling of protein sequence and biophysical properties (such as structural, functional, and spatial information, amino acid conservation, physicochemical variation, residue mobility, and thermodynamic stability) performed at Invitae indicates that this missense variant is not expected to disrupt PREPL protein function. ClinVar contains an entry for this variant (Variation ID: 520751). This variant has not been reported in the literature in individuals affected with PREPL-related conditions. This variant is present in population databases (no rsID available, gnomAD 0.004%). This sequence change replaces isoleucine, which is neutral and non-polar, with arginine, which is basic and polar, at codon 412 of the PREPL protein (p.Ile412Arg).

Ambry Genetics
Classification: Uncertain significance for Inborn genetic diseases. Last evaluated: 2015-11-16. Review status: criteria provided, single submitter. Criteria: Ambry exome assertion method (8-5-2015). Collection method: clinical testing. Allele origin: germline. Affected: yes. Observed: 1 variant allele.